The following is an entry in ClinVar:

NM_000747.3(CHRNB1):c.1102G>C (p.Asp368His)

Gene: CHRNB1 (cholinergic receptor nicotinic beta 1 subunit; plus strand). Cytogenetic location: 17p13.1.
Variant type: single nucleotide variant.
Coding change: c.1102G>C on transcript NM_000747.3 (MANE Select); coding-DNA position 1102, G replaced by C.
Protein change: p.Asp368His; replaces aspartic acid 368 with histidine.
Molecular consequence: missense variant.
Genome position (GRCh38, 1-based): chr17:7,455,341, G>C. VCF-style: chr17-7455341-G-C. GRCh37 (hg19) VCF-style: chr17-7358660-G-C.
Other names: short protein forms D368H.
Identifiers: ClinVar variation 1469408 (VCV001469408.8), dbSNP rs749009183, ClinGen allele CA8347977.
Genomic context (GRCh38, chr17:7,455,341, plus strand): 5'-CAGATCTTCATTCACAAACTTCCGCTGTACCTGCGTCTAAAAAGGCCCAAACCCGAGAGA[G>C]ACCTGATGCCGGAGCCCCCTCACTGTTCTTCTCCAGGAAGTGGCTGGGGTCGGGGAACAG-3'
Protein context (NP_000738.2, residues 358-378): LRLKRPKPER[Asp368His]LMPEPPHCSS

ClinVar aggregate classification (germline): Uncertain significance (1 of 4 stars; one submission).

Conditions:
Congenital myasthenic syndrome 2A. Also called: Myasthenic syndrome, congenital, 2a, slow-channel. Identifiers: Orphanet 590, MedGen C4225374, MONDO:0014581, OMIM 616313.

Allele frequency attached by ClinVar (database versions not stated): gnomAD exomes below 0.00001; ExAC 0.00001.
gnomAD v4.1: 1 of 1,614,086 alleles (0.000062%); highest among the groups gnomAD compares: Non-Finnish European, 0.000085%; no homozygotes.

Submission:

Labcorp Genetics (formerly Invitae), Labcorp
Classification: Uncertain significance for Congenital myasthenic syndrome 2A. Last evaluated: 2021-08-21. Review status: criteria provided, single submitter. Criteria: Invitae Variant Classification Sherloc (09022015). Collection method: clinical testing. Allele origin: germline.
Comment: This variant is present in population databases (rs749009183, ExAC 0.001%). This sequence change replaces aspartic acid with histidine at codon 368 of the CHRNB1 protein (p.Asp368His). The aspartic acid residue is weakly conserved and there is a moderate physicochemical difference between aspartic acid and histidine. This variant has not been reported in the literature in individuals with CHRNB1-related conditions. Advanced modeling of protein sequence and biophysical properties (such as structural, functional, and spatial information, amino acid conservation, physicochemical variation, residue mobility, and thermodynamic stability) performed at Invitae indicates that this missense variant is not expected to disrupt CHRNB1 protein function. In summary, the available evidence is currently insufficient to determine the role of this variant in disease. Therefore, it has been classified as a Variant of Uncertain Significance.